The following is an entry in ClinVar:

ClinVar aggregate classification (germline): Uncertain significance. Review status: criteria provided, multiple submitters, no conflicts (2 of 4 stars). 2 submissions from 2 submitters: Uncertain significance (2). Last evaluated 2026-06-16.

Conditions:
RAB23-related disorder. Also called: RAB23-related condition.
Inborn genetic diseases. Identifiers: MedGen C0950123, MeSH D030342.

gnomAD v4.1: 12 of 1,613,834 alleles (0.00074%); highest among the groups gnomAD compares: Non-Finnish European, 0.001%; no homozygotes.

Submissions (2):

PreventionGenetics, part of Exact Sciences
Classification: Uncertain significance for RAB23-related condition. Last evaluated: 2026-06-16. Review status: criteria provided, single submitter. Criteria: ACMG Guidelines, 2015. Collection method: clinical testing. Allele origin: germline.
Comment: The RAB23 c.655C>T variant is predicted to result in the amino acid substitution p.Pro219Ser. To our knowledge, this variant has not been reported in the literature. This variant is reported in 0.0039% of alleles in individuals of European (Non-Finnish) descent in gnomAD. At this time, the clinical significance of this variant is uncertain due to the absence of conclusive functional and genetic evidence.

Ambry Genetics
Classification: Uncertain significance for Inborn genetic diseases. Last evaluated: 2025-09-05. Review status: criteria provided, single submitter. Criteria: Ambry Variant Classification Scheme 2023. Collection method: clinical testing. Allele origin: germline.

NM_016277.5(RAB23):c.655C>T (p.Pro219Ser)

Gene: RAB23 (RAB23, member RAS oncogene family; minus strand). Cytogenetic location: 6p12.1.
Variant type: single nucleotide variant.
Coding change: c.655C>T on transcript NM_016277.5 (MANE Select); coding-DNA position 655, C replaced by T.
Protein change: p.Pro219Ser; replaces proline 219 with serine.
Molecular consequence: missense variant. On other transcripts: non-coding transcript variant (1).
Genome position (GRCh38, 1-based): chr6:57,190,520, G>A on the plus strand (C>T on the coding strand, the complement: RAB23 is on the minus strand). VCF-style: chr6-57190520-G-A. GRCh37 (hg19) VCF-style: chr6-57055318-G-A.
Other names: c.655C>T (NM_183227.2); c.655C>T, p.Pro219Ser (NM_001278666.2, NM_001278667.2, NM_001278668.2 and 1 more transcripts); short protein forms P219S.
Identifiers: ClinVar variation 4149253 (VCV004149253.2).